The following is an entry in ClinVar:

ClinVar aggregate classification (germline): Uncertain significance (1 of 4 stars; one submission).

Conditions:
Hereditary cancer-predisposing syndrome. Also called: Neoplastic Syndromes, Hereditary; Tumor predisposition; Hereditary neoplastic syndrome; Hereditary Cancer Syndrome. Identifiers: Orphanet 140162, MedGen C0027672, MeSH D009386, MONDO:0015356.

Submission:

Ambry Genetics
Classification: Uncertain significance for Hereditary cancer-predisposing syndrome. Last evaluated: 2026-07-09. Review status: criteria provided, single submitter. Criteria: Ambry Variant Classification Scheme 2023. Collection method: clinical testing. Allele origin: germline.
Comment: The p.T526I variant (also known as c.1577C>T), located in coding exon 6 of the BLM gene, results from a C to T substitution at nucleotide position 1577. The threonine at codon 526 is replaced by isoleucine, an amino acid with similar properties. This amino acid position is conserved. In addition, the in silico prediction for this alteration is inconclusive. Based on the available evidence, the clinical significance of this variant remains unclear.

NM_000057.4(BLM):c.1577C>T (p.Thr526Ile)

Gene: BLM (BLM RecQ like helicase; plus strand). Cytogenetic location: 15q26.1.
Variant type: single nucleotide variant.
Coding change: c.1577C>T on transcript NM_000057.4 (MANE Select); coding-DNA position 1577, C replaced by T.
Protein change: p.Thr526Ile; replaces threonine 526 with isoleucine.
Molecular consequence: missense variant.
Genome position (GRCh38, 1-based): chr15:90,760,950, C>T. VCF-style: chr15-90760950-C-T. GRCh37 (hg19) VCF-style: chr15-91304180-C-T.
Other names: c.1577C>T, p.Thr526Ile (NM_001287246.2, NM_001287247.2); c.452C>T, p.Thr151Ile (NM_001287248.2); short protein forms T151I, T526I.
Identifiers: ClinVar variation 5032900 (VCV005032900.1).